The following is an entry in ClinVar:

ClinVar aggregate classification (germline): Uncertain significance. Review status: criteria provided, multiple submitters, no conflicts (2 of 4 stars). 5 submissions from 5 submitters: Uncertain significance (4). 1 of the submissions does not count toward it. Last evaluated 2023-07-17.

Conditions:
Hereditary cancer-predisposing syndrome. Also called: Hereditary neoplastic syndrome; Tumor predisposition; Neoplastic Syndromes, Hereditary; Hereditary Cancer Syndrome. Identifiers: Orphanet 140162, MedGen C0027672, MeSH D009386, MONDO:0015356.
Familial cancer of breast. Also called: hereditary breast carcinoma; BREAST CANCER, FAMILIAL; Hereditary breast cancer. Identifiers: Orphanet 227535, MedGen C0346153, MONDO:0016419, OMIM 114480. Disease mechanism: loss of function.

Allele frequency attached by ClinVar (database versions not stated): gnomAD exomes below 0.00001 and 0.00001.
gnomAD v4.1: 3 of 1,613,914 alleles (0.00019%); highest among the groups gnomAD compares: East Asian, 0.0045%; no homozygotes.

Submissions (5):

Labcorp Genetics (formerly Invitae), Labcorp
Classification: Uncertain significance for Familial cancer of breast. Last evaluated: 2023-07-17. Review status: criteria provided, single submitter. Criteria: Invitae Variant Classification Sherloc (09022015). Collection method: clinical testing. Allele origin: germline.
Comment: This missense change has been observed in individual(s) with breast and/or ovarian cancer (PMID: 26411315, 30287823). ClinVar contains an entry for this variant (Variation ID: 570662). Advanced modeling of protein sequence and biophysical properties (such as structural, functional, and spatial information, amino acid conservation, physicochemical variation, residue mobility, and thermodynamic stability) performed at Invitae indicates that this missense variant is not expected to disrupt PALB2 protein function. In summary, the available evidence is currently insufficient to determine the role of this variant in disease. Therefore, it has been classified as a Variant of Uncertain Significance. This variant is present in population databases (no rsID available, gnomAD 0.003%). This sequence change replaces phenylalanine, which is neutral and non-polar, with leucine, which is neutral and non-polar, at codon 557 of the PALB2 protein (p.Phe557Leu).

Color Diagnostics, LLC DBA Color Health
Classification: Uncertain significance for Hereditary cancer-predisposing syndrome. Last evaluated: 2022-04-05. Review status: criteria provided, single submitter. Criteria: ACMG Guidelines, 2015. Collection method: clinical testing. Allele origin: germline.
Comment: This missense variant replaces phenylalanine with leucine at codon 557 of the PALB2 protein. Computational prediction suggests that this variant may not impact protein structure and function (internally defined REVEL score threshold <= 0.5, PMID: 27666373). To our knowledge, functional studies have not been reported for this variant. This variant has been reported in a breast cancer case-control study in 1/7051 female and 0/53 male breast cancer cases and 1/11241 female and 3/12490 male unaffected individuals (PMID: 30287823) and in a pancreatic cancer case-control study in 4/23705 unaffected individuals and absent in 1005 cases (PMID: 32980694). This variant also has been reported in a prostate cancer case-control study in 3/7636 cases and 3/12366 unaffected individuals (PMID: 31214711). This variant has been identified in 1/250752 chromosomes in the general population by the Genome Aggregation Database (gnomAD). The available evidence is insufficient to determine the role of this variant in disease conclusively. Therefore, this variant is classified as a Variant of Uncertain Significance.

GeneDx
Classification: Uncertain significance. Last evaluated: 2022-02-17. Review status: criteria provided, single submitter. Criteria: GeneDx Variant Classification Process June 2021. Collection method: clinical testing. Allele origin: germline. Affected: yes.
Comment: Not observed at significant frequency in large population cohorts (gnomAD); In silico analysis supports that this missense variant does not alter protein structure/function; Observed in individuals with breast and/or ovarian cancer, but also observed in control individuals (Nakagomi 2016, Momozawa 2018); This variant is associated with the following publications: (PMID: 30287823, 26411315)

Women's Health and Genetics/Laboratory Corporation of America, LabCorp
Classification: Uncertain significance. Last evaluated: 2019-10-24. Review status: criteria provided, single submitter. Criteria: LabCorp Variant Classification Summary - May 2015. Collection method: clinical testing. Allele origin: germline.
Comment: Variant summary: PALB2 c.1669T>C (p.Phe557Leu) results in a non-conservative amino acid change in the encoded protein sequence. Four of five in-silico tools predict a benign effect of the variant on protein function. The variant allele was found at a frequency of 4e-06 in 250752 control chromosomes (gnomAD). The available data on variant occurrences in the general population are insufficient to allow any conclusion about variant significance. c.1669T>C has been reported in the literature in individuals affected with HBOC and also, in controls (Nakagomi_2015, Momozawa_2018). These reports do not provide unequivocal conclusions about association of the variant with Breast Cancer. To our knowledge, no experimental evidence demonstrating an impact on protein function has been reported. One clinical diagnostic laboratory has submitted clinical-significance assessments for this variant to ClinVar after 2014 without evidence for independent evaluation. One laboratory classified the variant as uncertain significance. Based on the evidence outlined above, the variant was classified as uncertain significance.

Leiden Open Variation Database
Classification: Uncertain significance. Last evaluated: 2018-10-10. Review status: no assertion criteria provided. Collection method: curation. Allele origin: germline. Affected: yes. Not counted in ClinVar's aggregate classification.
Comment: Curators: Marc Tischkowitz, Arleen D. Auerbach. Submitter to LOVD: Yukihide Momozawa.

Literature cited by the submitters: PubMed 26411315 (cited by Labcorp Genetics (formerly Invitae), Labcorp and Women's Health and Genetics/Laboratory Corporation of America, LabCorp); PubMed 30287823 (cited by 4 submitters); PubMed 31214711 (cited by Color Diagnostics, LLC DBA Color Health); PubMed 32980694 (cited by Color Diagnostics, LLC DBA Color Health).

NM_024675.4(PALB2):c.1669T>C (p.Phe557Leu)

Gene: PALB2 (partner and localizer of BRCA2; minus strand). Cytogenetic location: 16p12.2.
Variant type: single nucleotide variant.
Coding change: c.1669T>C on transcript NM_024675.4 (MANE Select); coding-DNA position 1669, T replaced by C.
Protein change: p.Phe557Leu; replaces phenylalanine 557 with leucine.
Molecular consequence: missense variant.
Genome position (GRCh38, 1-based): chr16:23,634,877, A>G on the plus strand (T>C on the coding strand, the complement: PALB2 is on the minus strand). VCF-style: chr16-23634877-A-G. GRCh37 (hg19) VCF-style: chr16-23646198-A-G.
Other names: short protein forms F557L.
Identifiers: ClinVar variation 570662 (VCV000570662.12), dbSNP rs1326785676, ClinGen allele CA395129977.